The following is an entry in ClinVar:

ClinVar aggregate classification (germline): Uncertain significance. Review status: criteria provided, multiple submitters, no conflicts (2 of 4 stars). 5 submissions from 5 submitters: Uncertain significance (5). Last evaluated 2025-01-24.

Conditions:
Inborn genetic diseases. Identifiers: MedGen C0950123, MeSH D030342.
Neuropathy, hereditary sensory and autonomic, type 2A (HSAN2A). Also called: HSAN IIA; MORVAN DISEASE; NEUROPATHY, CONGENITAL SENSORY; NEUROPATHY, HEREDITARY SENSORY RADICULAR, AUTOSOMAL RECESSIVE; NEUROPATHY, HEREDITARY SENSORY, TYPE IIA; NEUROPATHY, PROGRESSIVE SENSORY, OF CHILDREN. Identifiers: Orphanet 970, MedGen C2752089, MONDO:0024309, OMIM 201300.
Generalized epilepsy with febrile seizures plus, type 7 (GEFSP7). Also called: GEFS+, TYPE 7. Identifiers: Orphanet 36387, MedGen C2751778, MONDO:0013470, OMIM 613863.

Allele frequency attached by ClinVar (database versions not stated): gnomAD exomes 0.00001.
gnomAD v4.1: 9 of 1,559,308 alleles (0.00058%); highest among the groups gnomAD compares: Middle Eastern, 0.12%; no homozygotes.

Submissions (5):

Ambry Genetics
Classification: Uncertain significance for Inborn genetic diseases. Last evaluated: 2025-01-24. Review status: criteria provided, single submitter. Criteria: Ambry Variant Classification Scheme 2023. Collection method: clinical testing. Allele origin: germline.

Labcorp Genetics (formerly Invitae), Labcorp
Classification: Uncertain significance for Neuropathy, hereditary sensory and autonomic, type 2A; Generalized epilepsy with febrile seizures plus, type 7. Last evaluated: 2024-07-01. Review status: criteria provided, single submitter. Criteria: Invitae Variant Classification Sherloc (09022015). Collection method: clinical testing. Allele origin: germline.
Comment: This sequence change replaces glutamic acid, which is acidic and polar, with lysine, which is basic and polar, at codon 446 of the SCN9A protein (p.Glu446Lys). This variant is not present in population databases (gnomAD no frequency). This variant has not been reported in the literature in individuals affected with SCN9A-related conditions. ClinVar contains an entry for this variant (Variation ID: 808878). Advanced modeling of protein sequence and biophysical properties (such as structural, functional, and spatial information, amino acid conservation, physicochemical variation, residue mobility, and thermodynamic stability) has been performed at Invitae for this missense variant, however the output from this modeling did not meet the statistical confidence thresholds required to predict the impact of this variant on SCN9A protein function. In summary, the available evidence is currently insufficient to determine the role of this variant in disease. Therefore, it has been classified as a Variant of Uncertain Significance.

CeGaT Center for Human Genetics Tuebingen
Classification: Uncertain significance. Last evaluated: 2019-07-01. Review status: criteria provided, single submitter. Criteria: CeGaT Center For Human Genetics Tuebingen Variant Classification Criteria Version 2. Collection method: clinical testing. Allele origin: germline. Affected: yes. Observed: 2 variant alleles.

Mayo Clinic Laboratories, Mayo Clinic
Classification: Uncertain significance. Last evaluated: 2019-06-04. Review status: criteria provided, single submitter. Criteria: ACMG Guidelines, 2015. Collection method: clinical testing. Allele origin: germline. Observed: 1 variant allele.

Breakthrough Genomics
Classification: Uncertain significance. Review status: criteria provided, single submitter. Criteria: ACMG Guidelines, 2015. Collection method: not provided. Allele origin: germline. Inheritance: Autosomal recessive inheritance. Affected: yes.

NM_001365536.1(SCN9A):c.1336G>A (p.Glu446Lys)

Genes: SCN9A (sodium voltage-gated channel alpha subunit 9; minus strand), SCN1A-AS1 (SCN1A and SCN9A antisense RNA 1; plus strand). Cytogenetic location: 2q24.3.
Variant type: single nucleotide variant.
Coding change: c.1336G>A on transcript NM_001365536.1 (MANE Select); coding-DNA position 1336, G replaced by A.
Protein change: p.Glu446Lys; replaces glutamic acid 446 with lysine.
Molecular consequence: missense variant.
Genome position (GRCh38, 1-based): chr2:166,286,602, C>T on the plus strand (G>A on the coding strand, the complement: SCN9A is on the minus strand). VCF-style: chr2-166286602-C-T. GRCh37 (hg19) VCF-style: chr2-167143112-C-T.
Other names: c.1336G>A, p.Glu446Lys (NM_002977.4); short protein forms E446K.
Identifiers: ClinVar variation 808878 (VCV000808878.53), dbSNP rs1175228324, ClinGen allele CA349084972.